The following is an entry in ClinVar:

ClinVar aggregate classification (germline): Uncertain significance (1 of 4 stars; one submission).

Conditions:
Autosomal dominant optic atrophy classic form (OPA1). Also called: KJER-TYPE OPTIC ATROPHY; OPTIC ATROPHY, JUVENILE; Optic Atrophy Type 1. Identifiers: Orphanet 98673, MedGen C0338508, MONDO:0008134, OMIM 165500.

gnomAD v4.1: 1 of 1,612,838 alleles (0.000062%); highest among the groups gnomAD compares: South Asian, 0.0011%; no homozygotes.

Submission:

Victorian Clinical Genetics Services, Murdoch Childrens Research Institute
Classification: Uncertain significance for Autosomal dominant optic atrophy classic form. Last evaluated: 2020-10-19. Review status: criteria provided, single submitter. Criteria: ACMG Guidelines, 2015. Collection method: clinical testing. Allele origin: germline.
Comment: Based on the classification scheme VCGS_Germline_v1.3.3, this variant is classified as 3C-VUS. Following criteria are met: 0102 - Loss of function is a known mechanism of disease in this gene and is associated with ?Mitochondrial DNA depletion syndrome 14 (encephalocardiomyopathic type) (MIM#6168963), {Glaucoma, normal tension, susceptibility to}, (MIM#6066573), Behr syndrome (MIM#210000), optic atrophy 1 (MIM#165500), optic atrophy plus syndrome (MIM#125250). (I) 0108 - This gene is associated with both recessive and dominant disease. Truncating variants and mutations in the C-terminal domain are associated with dominant optic atrophy. Individuals carrying missense variants are clustered within the GTPase domain, generally develop optic atrophy plus syndrome. Lastly, biallelic variants have been associated with early onset Behr syndrome (PMID: 31500643, 28494813, 25012220, 30165240). (I) 0112 - The condition associated with this gene has incomplete penetrance (PMID: 17306754). (I) 0200 - Variant is predicted to result in a missense amino acid change from valine to isoleucine. (I) 0251 - This variant is heterozygous. (I) 0301 - Variant is absent from gnomAD (both v2 and v3). (SP) 0503 - Missense variant consistently predicted to be tolerated by multiple in silico tools or not conserved in placental mammals with a minor amino acid change. (SB) 0600 - Variant is located in the annotated dynamin central domain (PMID: 31500643). (I) 0705 - No comparable missense variants have previous evidence for pathogenicity. (I) 0807 - This variant has no previous evidence of pathogenicity. (I) 0905 - No published segregation evidence has been identified for this variant. (I) 1007 - No published functional evidence has been identified for this variant. (I) 1208 - Inheritance information for this variant is not currently available in this individual. (I) Legend: (SP) - Supporting pathogenic, (I) - Information, (SB) - Supporting benign

Literature cited by the submitters: PubMed 17306754; PubMed 25012220; PubMed 28494813; PubMed 30165240; PubMed 31500643.

NM_130837.3(OPA1):c.2524G>A (p.Val842Ile)

Gene: OPA1 (OPA1 mitochondrial dynamin like GTPase; plus strand). Cytogenetic location: 3q29.
Variant type: single nucleotide variant.
Coding change: c.2524G>A on transcript NM_130837.3 (MANE Select); coding-DNA position 2524, G replaced by A.
Protein change: p.Val842Ile; replaces valine 842 with isoleucine.
Molecular consequence: missense variant.
Genome position (GRCh38, 1-based): chr3:193,662,825, G>A. VCF-style: chr3-193662825-G-A. GRCh37 (hg19) VCF-style: chr3-193380614-G-A.
Other names: c.1990G>A, p.Val664Ile (NM_001354663.2); c.1987G>A, p.Val663Ile (NM_001354664.2); c.2359G>A, p.Val787Ile (NM_015560.3); c.2251G>A, p.Val751Ile (NM_130831.3); c.2305G>A, p.Val769Ile (NM_130832.3); c.2362G>A, p.Val788Ile (NM_130833.3); c.2413G>A, p.Val805Ile (NM_130834.3); c.2416G>A, p.Val806Ile (NM_130835.3); and 1 more; short protein forms V663I, V664I, V751I, V769I, V787I, V788I, V805I, V806I.
Identifiers: ClinVar variation 3376604 (VCV003376604.1).
Genomic context (GRCh38, chr3:193,662,825, plus strand): 5'-TTTCAAGCACCAAATTATGAACCATCTAAACACAGTCCTTTTTTAAACATTTTAAAGTGT[G>A]TTCACAATGAAACCAAGAATGAATTGGAGAAGATGTTGAAATGTAATGAGGAGCACCCAG-3'
Protein context (NP_570850.2, residues 832-852): YWKNRTQEQC[Val842Ile]HNETKNELEK